The following is an entry in ClinVar:

NM_000540.3(RYR1):c.1925+1G>C

Gene: RYR1 (ryanodine receptor 1; plus strand). Cytogenetic location: 19q13.2.
Variant type: single nucleotide variant.
Coding change: c.1925+1G>C on transcript NM_000540.3 (MANE Select); the canonical splice donor site of the intron after coding-DNA position 1925, G replaced by C.
Molecular consequence: splice donor variant.
Genome position (GRCh38, 1-based): chr19:38,457,631, G>C. VCF-style: chr19-38457631-G-C. GRCh37 (hg19) VCF-style: chr19-38948271-G-C.
Other names: c.1925+1G>C (NM_001042723.2).
Identifiers: ClinVar variation 982438 (VCV000982438.2), dbSNP rs1967488222, ClinGen allele CA405694487.

ClinVar aggregate classification (germline): Likely pathogenic. Review status: reviewed by expert panel (3 of 4 stars). 2 submissions from 2 submitters: Likely pathogenic (1). 1 of the submissions does not count toward it. Last evaluated 2025-11-10.

Conditions:
RYR1-related myopathy. Identifiers: Orphanet 98742, MedGen CN305348, MONDO:0100150.
Malignant hyperthermia, susceptibility to, 1 (MHS1). Also called: Anesthesia related hyperthermia; Malignant hyperpyrexia; Fulminating hyperpyrexia; Pharmacogenic myopathy; Malignant hyperthermia suceptibility 1; RYR1-Related Malignant Hyperthermia Susceptibility. Identifiers: Orphanet 423, MedGen C2930980, MONDO:0007783, OMIM 145600.

Submissions (2):

ClinGen Congenital Myopathies Variant Curation Expert Panel, ClinGen
Classification: Likely pathogenic for RYR1-related myopathy. Last evaluated: 2025-11-10. Review status: reviewed by expert panel. Criteria: ClinGen CongenMyopathy ACMG Specifications RYR1 AR V2.0.0. Collection method: curation. Allele origin: germline. Inheritance: Autosomal recessive inheritance.
Comment: The NM_000540.3:c.1925+1G>A variant in RYR1 occurs within the canonical splice donor site (+1) of intron 17. It is predicted to cause skipping of biologically-relevant-exon 17/106, resulting in a frameshift leading to nonsense mediated decay in a gene in which loss-of-function is an established disease mechanism (PVS1). The variant is absent from gnomAD v4.1.0 meeting PM2_Supporting. This variant has been observed as a heterozygous occurrence with no second variant identified in trans in an individual with mild proximal weakness and hyperlaxity (PM3 not met, VCEP internal contributor). In summary, this variant is classified as likely pathogenic for autosomal recessive RYR1-related myopathy based on the ACMG/AMP criteria applied, as specified by the ClinGen Congenital Myopathies VCEP: PVS1, PM2_Supporting. (ClinGen Congenital Myopathies VCEP specifications version 2.0.0; November 10th, 2025)

HudsonAlpha Institute for Biotechnology
Classification: Uncertain significance for Malignant hyperthermia, susceptibility to, 1. Last evaluated: 2020-09-03. Review status: criteria provided, single submitter. Criteria: ACMG Guidelines, 2015. Collection method: research. Allele origin: de novo. Observed: 1 variant allele. Study: CSER-SouthSeq. Not counted in ClinVar's aggregate classification.
Comment: ACMG codes:PM2